The following is an entry in ClinVar:

NM_000059.4(BRCA2):c.6389T>G (p.Phe2130Cys)

Gene: BRCA2 (BRCA2 DNA repair associated; plus strand). Cytogenetic location: 13q13.1.
Variant type: single nucleotide variant.
Coding change: c.6389T>G on transcript NM_000059.4 (MANE Select); coding-DNA position 6389, T replaced by G.
Protein change: p.Phe2130Cys; replaces phenylalanine 2130 with cysteine.
Molecular consequence: missense variant.
Genome position (GRCh38, 1-based): chr13:32,340,744, T>G. VCF-style: chr13-32340744-T-G. GRCh37 (hg19) VCF-style: chr13-32914881-T-G.
Other names: short protein forms F2130C.
Identifiers: ClinVar variation 941797 (VCV000941797.20), dbSNP rs2072554002, ClinGen allele CA387789210.
Genomic context (GRCh38, chr13:32,340,744, plus strand): 5'-ATAAGAGAAACCCAGAGCACTGTGTAAACTCAGAAATGGAAAAAACCTGCAGTAAAGAAT[T>G]TAAATTATCAAATAACTTAAATGTTGAAGGTGGTTCTTCAGAAAATAATCACTCTATTAA-3'
Protein context (NP_000050.3, residues 2120-2140): SEMEKTCSKE[Phe2130Cys]KLSNNLNVEG

ClinVar aggregate classification (germline): Conflicting classifications of pathogenicity. Review status: criteria provided, conflicting classifications (1 of 4 stars). 5 submissions from 5 submitters: Uncertain significance (3); Likely benign (2). Last evaluated 2024-11-05.

Conditions:
Hereditary breast ovarian cancer syndrome. Also called: Hereditary breast and/or ovarian cancer syndrome; Hereditary breast and ovarian cancer syndrome; Hereditary breast and ovarian cancer; Hereditary breast and ovarian cancer syndrome (HBOC); Breast and ovarian cancer; BRCA1- and BRCA2-Associated Hereditary Breast and Ovarian Cancer. Identifiers: Orphanet 145, MedGen C0677776, MeSH D061325, MONDO:0003582. Disease mechanism: loss of function.
Hereditary cancer-predisposing syndrome. Also called: Hereditary neoplastic syndrome; Neoplastic Syndromes, Hereditary; Tumor predisposition; Hereditary Cancer Syndrome. Identifiers: Orphanet 140162, MedGen C0027672, MeSH D009386, MONDO:0015356.

Submissions (5):

Ambry Genetics
Classification: Likely benign for Hereditary cancer-predisposing syndrome. Last evaluated: 2024-11-05. Review status: criteria provided, single submitter. Criteria: Ambry Variant Classification Scheme 2023. Collection method: clinical testing. Allele origin: germline.

Color Diagnostics, LLC DBA Color Health
Classification: Uncertain significance for Hereditary cancer-predisposing syndrome. Last evaluated: 2024-03-06. Review status: criteria provided, single submitter. Criteria: ACMG Guidelines, 2015. Collection method: clinical testing. Allele origin: germline.
Comment: This missense variant replaces phenylalanine with cysteine at codon 2130 of the BRCA2 protein. Computational prediction suggests that this variant may not impact protein structure and function (internally defined REVEL score threshold <= 0.5, PMID: 27666373). To our knowledge, functional studies have not been reported for this variant. This variant has not been reported in individuals affected with hereditary cancer in the literature. This variant has not been identified in the general population by the Genome Aggregation Database (gnomAD). The available evidence is insufficient to determine the role of this variant in disease conclusively. Therefore, this variant is classified as a Variant of Uncertain Significance.

Labcorp Genetics (formerly Invitae), Labcorp
Classification: Uncertain significance for Hereditary breast ovarian cancer syndrome. Last evaluated: 2024-01-27. Review status: criteria provided, single submitter. Criteria: Invitae Variant Classification Sherloc (09022015). Collection method: clinical testing. Allele origin: germline.
Comment: This sequence change replaces phenylalanine, which is neutral and non-polar, with cysteine, which is neutral and slightly polar, at codon 2130 of the BRCA2 protein (p.Phe2130Cys). This variant is not present in population databases (gnomAD no frequency). This variant has not been reported in the literature in individuals affected with BRCA2-related conditions. ClinVar contains an entry for this variant (Variation ID: 941797). Advanced modeling of protein sequence and biophysical properties (such as structural, functional, and spatial information, amino acid conservation, physicochemical variation, residue mobility, and thermodynamic stability) performed at Invitae indicates that this missense variant is not expected to disrupt BRCA2 protein function with a negative predictive value of 95%. In summary, the available evidence is currently insufficient to determine the role of this variant in disease. Therefore, it has been classified as a Variant of Uncertain Significance.

University of Washington Department of Laboratory Medicine, University of Washington
Classification: Likely benign for Hereditary cancer-predisposing syndrome. Last evaluated: 2023-03-23. Review status: criteria provided, single submitter. Criteria: Dines et al. (Genet Med. 2020). Collection method: curation. Allele origin: germline.
Comment: Missense variant in a coldspot region where missense variants are very unlikely to be pathogenic (PMID:31911673).

BRCA2 exon 11 coldspot. Reclassification based on statistical prior probability.

GeneDx
Classification: Uncertain significance. Last evaluated: 2020-03-02. Review status: criteria provided, single submitter. Criteria: GeneDx Variant Classification Process June 2021. Collection method: clinical testing. Allele origin: germline. Affected: yes.
Comment: Not observed in large population cohorts (Lek 2016); In silico analysis supports that this missense variant does not alter protein structure/function; Has not been previously published as pathogenic or benign to our knowledge; Also known as 6617T>G